The following is an entry in ClinVar:

ClinVar aggregate classification (germline): Uncertain significance. Review status: criteria provided, multiple submitters, no conflicts (2 of 4 stars). 3 submissions from 3 submitters: Uncertain significance (3). Last evaluated 2025-05-18.

Conditions:
Colorectal cancer, susceptibility to, 1. Also called: COLORECTAL ADENOMA AND CANCER, SUSCEPTIBILITY TO; COLORECTAL CANCER, SUSCEPTIBILITY TO, ON CHROMOSOME 9. Identifiers: MedGen C1837315, MONDO:0012132, OMIM 608812.

Submissions (3):

Labcorp Genetics (formerly Invitae), Labcorp
Classification: Uncertain significance. Last evaluated: 2025-05-18. Review status: criteria provided, single submitter. Criteria: Invitae Variant Classification Sherloc (09022015). Collection method: clinical testing. Allele origin: germline.
Comment: This sequence change replaces valine, which is neutral and non-polar, with leucine, which is neutral and non-polar, at codon 432 of the GALNT12 protein (p.Val432Leu). This variant is not present in population databases (gnomAD no frequency). This variant has not been reported in the literature in individuals affected with GALNT12-related conditions. ClinVar contains an entry for this variant (Variation ID: 818827). Invitae Evidence Modeling of protein sequence and biophysical properties (such as structural, functional, and spatial information, amino acid conservation, physicochemical variation, residue mobility, and thermodynamic stability) indicates that this missense variant is not expected to disrupt GALNT12 protein function with a negative predictive value of 80%. In summary, the available evidence is currently insufficient to determine the role of this variant in disease. Therefore, it has been classified as a Variant of Uncertain Significance.

Baylor Genetics
Classification: Uncertain significance for Colorectal cancer, susceptibility to, 1. Last evaluated: 2024-02-28. Review status: criteria provided, single submitter. Criteria: ACMG Guidelines, 2015. Collection method: clinical testing. Allele origin: unknown.

Ambry Genetics
Classification: Uncertain significance. Last evaluated: 2023-05-18. Review status: criteria provided, single submitter. Criteria: Ambry Variant Classification Scheme 2023. Collection method: clinical testing. Allele origin: germline.
Comment: The p.V432L variant (also known as c.1294G>C), located in coding exon 7 of the GALNT12 gene, results from a G to C substitution at nucleotide position 1294. The valine at codon 432 is replaced by leucine, an amino acid with highly similar properties. This amino acid position is not well conserved in available vertebrate species. In addition, the in silico prediction for this alteration is inconclusive. Since supporting evidence is limited at this time, the clinical significance of this alteration remains unclear.

NM_024642.5(GALNT12):c.1294G>C (p.Val432Leu)

Gene: GALNT12 (polypeptide N-acetylgalactosaminyltransferase 12; plus strand). Cytogenetic location: 9q22.33.
Variant type: single nucleotide variant.
Coding change: c.1294G>C on transcript NM_024642.5 (MANE Select); coding-DNA position 1294, G replaced by C.
Protein change: p.Val432Leu; replaces valine 432 with leucine.
Molecular consequence: missense variant.
Genome position (GRCh38, 1-based): chr9:98,840,083, G>C. VCF-style: chr9-98840083-G-C. GRCh37 (hg19) VCF-style: chr9-101602365-G-C.
Other names: short protein forms V432L.
Identifiers: ClinVar variation 818827 (VCV000818827.7), dbSNP rs1588455792, ClinGen allele CA374221060.
Genomic context (GRCh38, chr9:98,840,083, plus strand): 5'-GAGAGGAAGCAGCTCCGGGACAAGCTCCAGTGTAAAGACTTCAAGTGGTTCTTGGAGACT[G>C]TGTATCCAGAACTGCATGTGCCTGAGGACAGGCCTGGCTTCTTCGGGATGGTGAGTGAGG-3'
Protein context (NP_078918.3, residues 422-442): CKDFKWFLET[Val432Leu]YPELHVPEDR